The following is an entry in ClinVar:

NM_173354.5(SIK1):c.688C>A (p.Pro230Thr)

Gene: SIK1 (salt inducible kinase 1; minus strand). Cytogenetic location: 21q22.3.
Variant type: single nucleotide variant.
Coding change: c.688C>A on transcript NM_173354.5 (MANE Select); coding-DNA position 688, C replaced by A.
Protein change: p.Pro230Thr; replaces proline 230 with threonine.
Molecular consequence: missense variant.
Genome position (GRCh38, 1-based): chr21:43,421,070, G>T on the plus strand (C>A on the coding strand, the complement: SIK1 is on the minus strand). VCF-style: chr21-43421070-G-T. GRCh37 (hg19) VCF-style: chr21-44840950-G-T.
Other names: short protein forms P230T.
Identifiers: ClinVar variation 960922 (VCV000960922.12), dbSNP rs1163763920, ClinGen allele CA410609623.
Genomic context (GRCh38, chr21:43,421,070, plus strand): 5'-CTTGAGACATGAAGAAGGGGATGCGGAAGCGGCCCTCCAGCACCCGCTGTCTCAGCGTCG[G>T]CAGGTTAGGCCCATCGAAGGGGAGAGAACCGCAGACCAGGACGTACAGCACCACGCCCAG-3'
Protein context (NP_775490.2, residues 220-240): GSLPFDGPNL[Pro230Thr]TLRQRVLEGR

ClinVar aggregate classification (germline): Uncertain significance. Review status: criteria provided, multiple submitters, no conflicts (2 of 4 stars). 2 submissions from 2 submitters: Uncertain significance (2). Last evaluated 2024-02-23.

Conditions:
Developmental and epileptic encephalopathy, 30 (DEE30). Also called: Epileptic encephalopathy, early infantile, 30. Identifiers: MedGen C4225360, MONDO:0014595, OMIM 616341.

Submissions (2):

Women's Health and Genetics/Laboratory Corporation of America, LabCorp
Classification: Uncertain significance. Last evaluated: 2024-02-23. Review status: criteria provided, single submitter. Criteria: LabCorp Variant Classification Summary - May 2015. Collection method: clinical testing. Allele origin: germline.
Comment: Variant summary: SIK1 c.688C>A (p.Pro230Thr) results in a non-conservative amino acid change located in the Protein kinase domain (IPR000719) of the encoded protein sequence. Four of five in-silico tools predict a damaging effect of the variant on protein function. The frequency data for this variant in gnomAD is considered unreliable, as metrics indicate poor data quality at this position. To our knowledge, no occurrence of c.688C>A in individuals affected with Developmental And Epileptic Encephalopathy, 30 and no experimental evidence demonstrating its impact on protein function have been reported. ClinVar contains an entry for this variant (Variation ID: 960922). Based on the evidence outlined above, the variant was classified as uncertain significance.

Labcorp Genetics (formerly Invitae), Labcorp
Classification: Uncertain significance for Developmental and epileptic encephalopathy, 30. Last evaluated: 2022-07-16. Review status: criteria provided, single submitter. Criteria: Invitae Variant Classification Sherloc (09022015). Collection method: clinical testing. Allele origin: germline.
Comment: This sequence change replaces proline, which is neutral and non-polar, with threonine, which is neutral and polar, at codon 230 of the SIK1 protein (p.Pro230Thr). In summary, the available evidence is currently insufficient to determine the role of this variant in disease. Therefore, it has been classified as a Variant of Uncertain Significance. Algorithms developed to predict the effect of missense changes on protein structure and function are either unavailable or do not agree on the potential impact of this missense change (SIFT: "Tolerated"; PolyPhen-2: "Probably Damaging"; Align-GVGD: "Class C0"). ClinVar contains an entry for this variant (Variation ID: 960922). This variant has not been reported in the literature in individuals affected with SIK1-related conditions. This variant is not present in population databases (gnomAD no frequency).